The following is an entry in ClinVar:

NM_001031.5(RPS28):c.177G>T (p.Leu59Phe)

Gene: RPS28 (ribosomal protein S28; plus strand). Cytogenetic location: 19p13.2.
Variant type: single nucleotide variant.
Coding change: c.177G>T on transcript NM_001031.5 (MANE Select); coding-DNA position 177, G replaced by T.
Protein change: p.Leu59Phe; replaces leucine 59 with phenylalanine.
Molecular consequence: missense variant.
Genome position (GRCh38, 1-based): chr19:8,322,042, G>T. VCF-style: chr19-8322042-G-T. GRCh37 (hg19) VCF-style: chr19-8386926-G-T.
Other names: short protein forms L59F.
Identifiers: ClinVar variation 4991692 (VCV004991692.1).

ClinVar aggregate classification (germline): Uncertain significance (1 of 4 stars; one submission).

Conditions:
RPS28-related disorder. Also called: RPS28-related condition.

Submission:

PreventionGenetics, part of Exact Sciences
Classification: Uncertain significance for RPS28-related condition. Last evaluated: 2026-06-25. Review status: criteria provided, single submitter. Criteria: ACMG Guidelines, 2015. Collection method: clinical testing. Allele origin: germline.
Comment: The RPS28 c.177G>T variant is predicted to result in the amino acid substitution p.Leu59Phe. To our knowledge, this variant has not been reported in the literature or in a large population database (gnomAD), indicating this variant is rare. At this time, the clinical significance of this variant is uncertain due to the absence of conclusive functional and genetic evidence.